The following is an entry in ClinVar:

ClinVar aggregate classification (germline): Uncertain significance. Review status: criteria provided, multiple submitters, no conflicts (2 of 4 stars). 3 submissions from 3 submitters: Uncertain significance (3). Last evaluated 2025-11-19.

Conditions:
Hereditary cancer-predisposing syndrome. Also called: Hereditary Cancer Syndrome; Tumor predisposition; Hereditary neoplastic syndrome; Neoplastic Syndromes, Hereditary. Identifiers: Orphanet 140162, MedGen C0027672, MeSH D009386, MONDO:0015356.
Lung cancer. Also called: Malignant tumor of lung; Lung cancer, somatic. Identifiers: MedGen C0242379, MONDO:0008903, OMIM 211980.
Inflammatory skin and bowel disease, neonatal, 2 (NNCIS). Identifiers: Orphanet 294023, MedGen C4015130, MONDO:0014481, OMIM 616069.
EGFR-related lung cancer (EGFR). Identifiers: MedGen CN130014.

Allele frequency attached by ClinVar (database versions not stated): TOPMed below 0.00001; ExAC 0.00001; gnomAD exomes 0.00001.
gnomAD v4.1: 9 of 1,614,038 alleles (0.00056%); highest among the groups gnomAD compares: South Asian, 0.0011%; no homozygotes.

Submissions (3):

Labcorp Genetics (formerly Invitae), Labcorp
Classification: Uncertain significance for EGFR-related lung cancer. Last evaluated: 2025-11-19. Review status: criteria provided, single submitter. Criteria: Invitae Variant Classification Sherloc (09022015). Collection method: clinical testing. Allele origin: germline.
Comment: This sequence change replaces glutamic acid, which is acidic and polar, with lysine, which is basic and polar, at codon 1137 of the EGFR protein (p.Glu1137Lys). This variant is present in population databases (rs780967013, gnomAD 0.003%). This variant has not been reported in the literature in individuals affected with EGFR-related conditions. ClinVar contains an entry for this variant (Variation ID: 1045698). An algorithm developed to predict the effect of missense changes on protein structure and function (PolyPhen-2) suggests that this variant is likely to be disruptive. In summary, the available evidence is currently insufficient to determine the role of this variant in disease. Therefore, it has been classified as a Variant of Uncertain Significance.

Ambry Genetics
Classification: Uncertain significance for Hereditary cancer-predisposing syndrome. Last evaluated: 2025-03-15. Review status: criteria provided, single submitter. Criteria: Ambry Variant Classification Scheme 2023. Collection method: clinical testing. Allele origin: germline.
Comment: The p.E1137K variant (also known as c.3409G>A), located in coding exon 28 of the EGFR gene, results from a G to A substitution at nucleotide position 3409. The glutamic acid at codon 1137 is replaced by lysine, an amino acid with similar properties. This amino acid position is conserved. In addition, the in silico prediction for this alteration is inconclusive. Based on the available evidence, the clinical significance of this variant remains unclear.

Fulgent Genetics
Classification: Uncertain significance for Lung cancer; Inflammatory skin and bowel disease, neonatal, 2. Last evaluated: 2024-04-30. Review status: criteria provided, single submitter. Criteria: ACMG Guidelines, 2015. Collection method: clinical testing. Allele origin: germline.

NM_005228.5(EGFR):c.3409G>A (p.Glu1137Lys)

Gene: EGFR (epidermal growth factor receptor; plus strand). Cytogenetic location: 7p11.2.
Variant type: single nucleotide variant.
Coding change: c.3409G>A on transcript NM_005228.5 (MANE Select); coding-DNA position 3409, G replaced by A.
Protein change: p.Glu1137Lys; replaces glutamic acid 1137 with lysine.
Molecular consequence: missense variant.
Genome position (GRCh38, 1-based): chr7:55,205,393, G>A. VCF-style: chr7-55205393-G-A. GRCh37 (hg19) VCF-style: chr7-55273086-G-A.
Other names: c.3274G>A, p.Glu1092Lys (NM_001346899.2); c.3250G>A, p.Glu1084Lys (NM_001346900.2); c.2608G>A, p.Glu870Lys (NM_001346941.2); c.3409G>A (NM_005228.3); short protein forms E1084K, E1137K, E1092K, E870K.
Identifiers: ClinVar variation 1045698 (VCV001045698.8), dbSNP rs780967013, ClinGen allele CA4266397.
Genomic context (GRCh38, chr7:55,205,393, plus strand): 5'-CCCGCGCCCAGCAGAGACCCACACTACCAGGACCCCCACAGCACTGCAGTGGGCAACCCC[G>A]AGTATCTCAACACTGTCCAGCCCACCTGTGTCAACAGCACATTCGACAGCCCTGCCCACT-3'
Protein context (NP_005219.2, residues 1127-1147): DPHSTAVGNP[Glu1137Lys]YLNTVQPTCV